The following is an entry in ClinVar:

NM_020686.6(ABAT):c.864C>T (p.Ala288=)

Gene: ABAT (4-aminobutyrate aminotransferase; plus strand). Cytogenetic location: 16p13.2.
Variant type: single nucleotide variant.
Coding change: c.864C>T on transcript NM_020686.6 (MANE Select); coding-DNA position 864, C replaced by T.
Protein change: p.Ala288=; no amino-acid change (alanine 288 retained).
Molecular consequence: synonymous variant.
Genome position (GRCh38, 1-based): chr16:8,772,827, C>T. VCF-style: chr16-8772827-C-T. GRCh37 (hg19) VCF-style: chr16-8866684-C-T.
Other names: p.Ala288=; c.801C>T, p.Ala267= (NM_001386607.1, NM_001386606.1); c.771C>T, p.Ala257= (NM_001386608.1); c.864C>T, p.Ala288= (NM_001386609.1, NM_001386616.1, NM_000663.5 and 6 more transcripts); c.729C>T, p.Ala243= (NM_001386610.1, NM_001386611.1); c.666C>T, p.Ala222= (NM_001386612.1, NM_001386613.1); c.618C>T, p.Ala206= (NM_001386614.1); c.960C>T, p.Ala320= (NM_001386615.1); and 1 more.
Identifiers: ClinVar variation 321080 (VCV000321080.16), dbSNP rs149855547, ClinGen allele CA7893339.
Genomic context (GRCh38, chr16:8,772,827, plus strand): 5'-CTTTGGGATCCAGGTGGAGGATCTGATTGTGAAATATCGGAAAAAGAAGAAGACGGTGGC[C>T]GGGATCATCGTGGAGCCCATCCAGTCCGAGGGTGGAGACAACCACGCATCCGATGACTTC-3'
Protein context (NP_065737.2, residues 278-298): VKYRKKKKTV[Ala288=]GIIVEPIQSE

ClinVar aggregate classification (germline): Conflicting classifications of pathogenicity. Review status: criteria provided, conflicting classifications (1 of 4 stars). 3 submissions from 3 submitters: Uncertain significance (1); Likely benign (2). Last evaluated 2025-12-01.

Conditions:
Gamma-aminobutyric acid transaminase deficiency (GABATD). Also called: GABA aminotransaminase deficiency; GABA transaminase deficiency; Gamma aminobutyrate transaminase deficiency; 4 alpha aminobutyrate transaminase deficiency. Identifiers: Orphanet 2066, MedGen C0342708, MONDO:0013166, OMIM 613163.

Allele frequency attached by ClinVar (database versions not stated): gnomAD 0.00007 and 0.00014; TOPMed 0.00009; gnomAD exomes 0.00012; ExAC 0.00016; 1000 Genomes Project 30x 0.00078; 1000 Genomes Project 0.00080.
gnomAD v4.1: 322 of 1,614,008 alleles (0.02%); highest among the groups gnomAD compares: East Asian, 0.48%; 1 homozygote.

Submissions (3):

Labcorp Genetics (formerly Invitae), Labcorp
Classification: Likely benign for Gamma-aminobutyric acid transaminase deficiency. Last evaluated: 2025-12-01. Review status: criteria provided, single submitter. Criteria: Invitae Variant Classification Sherloc (09022015). Collection method: clinical testing. Allele origin: germline.

Mayo Clinic Laboratories, Mayo Clinic
Classification: Likely benign. Last evaluated: 2025-05-07. Review status: criteria provided, single submitter. Criteria: ACMG Guidelines, 2015. Collection method: clinical testing. Allele origin: germline. Observed: 1 variant allele.
Comment: BP4, BP7

Illumina Laboratory Services, Illumina
Classification: Uncertain significance for Gamma-aminobutyric acid transaminase deficiency. Last evaluated: 2018-01-13. Review status: criteria provided, single submitter. Criteria: ICSL Variant Classification Criteria 13 December 2019. Collection method: clinical testing. Allele origin: germline.